The following is an entry in ClinVar:

ClinVar aggregate classification (germline): Conflicting classifications of pathogenicity. Review status: criteria provided, conflicting classifications (1 of 4 stars). 3 submissions from 3 submitters: Uncertain significance (2); Likely benign (1). Last evaluated 2026-08-01.

Conditions:
Usher syndrome type 2C. Also called: USHER SYNDROME, TYPE IIC; Usher syndrome, type 2B. Identifiers: Orphanet 231178, Orphanet 886, MedGen C2931213, MONDO:0011558, OMIM 605472.

Allele frequency attached by ClinVar (database versions not stated): ExAC 0.00002; gnomAD exomes 0.00002; TOPMed 0.00002; gnomAD 0.00003.
gnomAD v4.1: 81 of 1,558,250 alleles (0.0052%); highest among the groups gnomAD compares: Non-Finnish European, 0.0066%; no homozygotes.

Submissions (3):

CeGaT Center for Human Genetics Tuebingen
Classification: Uncertain significance. Last evaluated: 2026-08-01. Review status: criteria provided, single submitter. Criteria: CeGaT Center For Human Genetics Tuebingen Variant Classification Criteria Version 2. Collection method: clinical testing. Allele origin: germline. Affected: yes. Observed: 1 variant allele.
Comment: ADGRV1: PM2, BP4

Labcorp Genetics (formerly Invitae), Labcorp
Classification: Likely benign. Last evaluated: 2025-07-28. Review status: criteria provided, single submitter. Criteria: Invitae Variant Classification Sherloc (09022015). Collection method: clinical testing. Allele origin: germline.

Illumina Laboratory Services, Illumina
Classification: Uncertain significance for Usher syndrome type 2C. Last evaluated: 2018-01-12. Review status: criteria provided, single submitter. Criteria: ICSL Variant Classification Criteria 13 December 2019. Collection method: clinical testing. Allele origin: germline.

NM_032119.4(ADGRV1):c.17595-4C>T

Gene: ADGRV1 (adhesion G protein-coupled receptor V1; plus strand). Cytogenetic location: 5q14.3.
Variant type: single nucleotide variant.
Coding change: c.17595-4C>T on transcript NM_032119.4 (MANE Select); 4 bases into the intron before coding-DNA position 17595, C replaced by T.
Molecular consequence: intron variant.
Genome position (GRCh38, 1-based): chr5:90,855,737, C>T. VCF-style: chr5-90855737-C-T. GRCh37 (hg19) VCF-style: chr5-90151554-C-T.
Identifiers: ClinVar variation 906692 (VCV000906692.15), dbSNP rs762535387, ClinGen allele CA3342401.